The following is an entry in ClinVar:

ClinVar aggregate classification (germline): Likely pathogenic (1 of 4 stars; one submission).

Submission:

GeneDx
Classification: Likely pathogenic. Last evaluated: 2017-09-07. Review status: criteria provided, single submitter. Criteria: GeneDx Variant Classification (06012015). Collection method: clinical testing. Allele origin: germline. Affected: yes.
Comment: The c.1344_1347dupAGCC variant in the AMER1 gene has not been reported previously as a pathogenic variant nor as a benign variant, to our knowledge. This variant causes a frameshift starting with codon Proline 450, changes this amino acid to a Serine residue, and creates a premature Stop codon at position 11 of the new reading frame, denoted p.Pro450SerfsX11. This variant is predicted to cause loss of normal protein function through protein truncation, as the last 686 amino acids of the protein are replaced by 10 incorrect amino acids. The c.1344_1347dupAGCC variant is not observed in large population cohorts (Lek et al., 2016; 1000 Genomes Consortium et al., 2015; Exome Variant Server). We interpret c.1344_1347dupAGCC as a likely pathogenic variant.

NM_152424.4(AMER1):c.1344_1347dup (p.Pro450fs)

Gene: AMER1 (APC membrane recruitment protein 1; minus strand). Cytogenetic location: Xq11.2.
Variant type: Duplication.
Coding change: c.1344_1347dup on transcript NM_152424.4 (MANE Select); coding-DNA positions 1344 to 1347, 4 bases duplicated (AGCC; older notation c.1344_1347dupAGCC).
Protein change: p.Pro450fs; shifts the reading frame from proline 450.
Molecular consequence: frameshift variant.
Genome position (GRCh38, 1-based): chrX:64,191,940-64,191,943, GGCT duplicated on the plus strand (AGCC on the coding strand, the reverse complement: AMER1 is on the minus strand). VCF-style (leftmost placement, unchanged base first): chrX-64191939-G-GGGCT. GRCh37 (hg19) VCF-style: chrX-63411819-G-GGGCT.
Other names: c.1344_1347dupAGCC (NM_152424.3); short protein forms P450fs.
Identifiers: ClinVar variation 451920 (VCV000451920.2), dbSNP rs1555933442, ClinGen allele CA658656841.